The following is an entry in ClinVar:

ClinVar aggregate classification (germline): Uncertain significance (1 of 4 stars; one submission).

Conditions:
Intellectual developmental disorder, X-linked 1. Also called: Atkin Flaitz Patil Smith syndrome; MENTAL RETARDATION, X-LINKED 18; MENTAL RETARDATION, X-LINKED 78; Intellectual disability, X-linked 1. Identifiers: Orphanet 777, MedGen C2931498, MONDO:0010656, OMIM 309530.

Submission:

Labcorp Genetics (formerly Invitae), Labcorp
Classification: Uncertain significance for Intellectual developmental disorder, X-linked 1. Last evaluated: 2025-10-13. Review status: criteria provided, single submitter. Criteria: Invitae Variant Classification Sherloc (09022015). Collection method: clinical testing. Allele origin: germline.
Comment: This sequence change replaces lysine, which is basic and polar, with arginine, which is basic and polar, at codon 839 of the IQSEC2 protein (p.Lys839Arg). This variant is not present in population databases (gnomAD no frequency). This variant has not been reported in the literature in individuals affected with IQSEC2-related conditions. Invitae Evidence Modeling of protein sequence and biophysical properties (such as structural, functional, and spatial information, amino acid conservation, physicochemical variation, residue mobility, and thermodynamic stability) indicates that this missense variant is not expected to disrupt IQSEC2 protein function with a negative predictive value of 95%. In summary, the available evidence is currently insufficient to determine the role of this variant in disease. Therefore, it has been classified as a Variant of Uncertain Significance.

NM_001111125.3(IQSEC2):c.2516A>G (p.Lys839Arg)

Gene: IQSEC2 (IQ motif and Sec7 domain ArfGEF 2; minus strand). Cytogenetic location: Xp11.22.
Variant type: single nucleotide variant.
Coding change: c.2516A>G on transcript NM_001111125.3 (MANE Select); coding-DNA position 2516, A replaced by G.
Protein change: p.Lys839Arg; replaces lysine 839 with arginine.
Molecular consequence: missense variant.
Genome position (GRCh38, 1-based): chrX:53,248,180, T>C on the plus strand (A>G on the coding strand, the complement: IQSEC2 is on the minus strand). VCF-style: chrX-53248180-T-C. GRCh37 (hg19) VCF-style: chrX-53277362-T-C.
Other names: c.2516A>G, p.Lys839Arg (NM_001410736.1, NM_001441092.1); c.2018A>G, p.Lys673Arg (NM_001441093.1); c.1805A>G, p.Lys602Arg (NM_001441094.1, NM_001441095.1); c.1901A>G, p.Lys634Arg (NM_015075.2); short protein forms K602R, K634R, K673R, K839R.
Identifiers: ClinVar variation 4801017 (VCV004801017.1).